The following is an entry in ClinVar:

ClinVar aggregate classification (germline): Uncertain significance (1 of 4 stars; one submission).

Conditions:
Disseminated atypical mycobacterial infection. Identifiers: MedGen C0694566.

Submission:

Labcorp Genetics (formerly Invitae), Labcorp
Classification: Uncertain significance for Disseminated atypical mycobacterial infection. Last evaluated: 2025-06-17. Review status: criteria provided, single submitter. Criteria: Invitae Variant Classification Sherloc (09022015). Collection method: clinical testing. Allele origin: germline.
Comment: This sequence change replaces proline, which is neutral and non-polar, with leucine, which is neutral and non-polar, at codon 8 of the IFNGR1 protein (p.Pro8Leu). This variant is not present in population databases (gnomAD no frequency). This variant has not been reported in the literature in individuals affected with IFNGR1-related conditions. ClinVar contains an entry for this variant (Variation ID: 3667676). An algorithm developed to predict the effect of missense changes on protein structure and function outputs the following: PolyPhen-2: "Benign". The leucine amino acid residue is found in multiple mammalian species, which suggests that this missense change does not adversely affect protein function. In summary, the available evidence is currently insufficient to determine the role of this variant in disease. Therefore, it has been classified as a Variant of Uncertain Significance.

NM_000416.3(IFNGR1):c.23C>T (p.Pro8Leu)

Gene: IFNGR1 (interferon gamma receptor 1; minus strand). Cytogenetic location: 6q23.3.
Variant type: single nucleotide variant.
Coding change: c.23C>T on transcript NM_000416.3 (MANE Select); coding-DNA position 23, C replaced by T.
Protein change: p.Pro8Leu; replaces proline 8 with leucine.
Molecular consequence: missense variant.
Genome position (GRCh38, 1-based): chr6:137,219,305, G>A on the plus strand (C>T on the coding strand, the complement: IFNGR1 is on the minus strand). VCF-style: chr6-137219305-G-A. GRCh37 (hg19) VCF-style: chr6-137540442-G-A.
Other names: short protein forms P8L.
Identifiers: ClinVar variation 3667676 (VCV003667676.2).